The following is an entry in ClinVar:

ClinVar aggregate classification (germline): Uncertain significance. Review status: criteria provided, multiple submitters, no conflicts (2 of 4 stars). 3 submissions from 3 submitters: Uncertain significance (3). Last evaluated 2025-06-03.

Conditions:
Inborn genetic diseases. Identifiers: MedGen C0950123, MeSH D030342.
Retinal dystrophy. Also called: Inherited retinal dystrophy. Identifiers: Orphanet 71862, MedGen C0854723, MeSH D058499, MONDO:0019118, HP:0000556.

Allele frequency attached by ClinVar (database versions not stated): ExAC 0.00002; gnomAD 0.00002; gnomAD exomes 0.00002 and 0.00006; TOPMed 0.00002.
gnomAD v4.1: 84 of 1,614,072 alleles (0.0052%); highest among the groups gnomAD compares: Non-Finnish European, 0.0063%; no homozygotes.

Submissions (3):

Labcorp Genetics (formerly Invitae), Labcorp
Classification: Uncertain significance. Last evaluated: 2025-06-03. Review status: criteria provided, single submitter. Criteria: Invitae Variant Classification Sherloc (09022015). Collection method: clinical testing. Allele origin: germline.
Comment: This sequence change replaces alanine, which is neutral and non-polar, with valine, which is neutral and non-polar, at codon 2299 of the PRPF8 protein (p.Ala2299Val). This variant is present in population databases (rs747942696, gnomAD 0.004%). This missense change has been observed in individuals with clinical features of PRPF8-related conditions (internal data). ClinVar contains an entry for this variant (Variation ID: 1009077). Invitae Evidence Modeling of protein sequence and biophysical properties (such as structural, functional, and spatial information, amino acid conservation, physicochemical variation, residue mobility, and thermodynamic stability) indicates that this missense variant is not expected to disrupt PRPF8 protein function with a negative predictive value of 80%. In summary, the available evidence is currently insufficient to determine the role of this variant in disease. Therefore, it has been classified as a Variant of Uncertain Significance.

Ambry Genetics
Classification: Uncertain significance for Inborn genetic diseases. Last evaluated: 2024-02-20. Review status: criteria provided, single submitter. Criteria: Ambry Variant Classification Scheme 2023. Collection method: clinical testing. Allele origin: germline.

Dept Of Ophthalmology, Nagoya University
Classification: Uncertain significance for Retinal dystrophy. Last evaluated: 2023-10-01. Review status: criteria provided, single submitter. Criteria: Submitter's publication. Collection method: research. Allele origin: germline. Affected: yes.

NM_006445.4(PRPF8):c.6896C>T (p.Ala2299Val)

Gene: PRPF8 (pre-mRNA processing factor 8; minus strand). Cytogenetic location: 17p13.3.
Variant type: single nucleotide variant.
Coding change: c.6896C>T on transcript NM_006445.4 (MANE Select); coding-DNA position 6896, C replaced by T.
Protein change: p.Ala2299Val; replaces alanine 2299 with valine.
Molecular consequence: missense variant.
Genome position (GRCh38, 1-based): chr17:1,650,914, G>A on the plus strand (C>T on the coding strand, the complement: PRPF8 is on the minus strand). VCF-style: chr17-1650914-G-A. GRCh37 (hg19) VCF-style: chr17-1554208-G-A.
Other names: c.6896C>T (NM_006445.3); short protein forms A2299V.
Identifiers: ClinVar variation 1009077 (VCV001009077.7), dbSNP rs747942696, ClinGen allele CA8271054.